The following is an entry in ClinVar:

NM_022841.7(RFX7):c.4181T>C (p.Ile1394Thr)

Gene: RFX7 (regulatory factor X7; minus strand). Cytogenetic location: 15q21.3.
Variant type: single nucleotide variant.
Coding change: c.4181T>C on transcript NM_022841.7 (MANE Select); coding-DNA position 4181, T replaced by C.
Protein change: p.Ile1394Thr; replaces isoleucine 1394 with threonine.
Molecular consequence: missense variant. On other transcripts: intron variant (1).
Genome position (GRCh38, 1-based): chr15:56,093,547, A>G on the plus strand (T>C on the coding strand, the complement: RFX7 is on the minus strand). VCF-style: chr15-56093547-A-G. GRCh37 (hg19) VCF-style: chr15-56385745-A-G.
Other names: c.3890T>C, p.Ile1297Thr (NM_001368073.2, NM_001368074.1); c.4181T>C, p.Ile1394Thr (NM_001370561.1); c.3804+86T>C (NM_001370554.1); short protein forms I1297T, I1394T.
Identifiers: ClinVar variation 3313951 (VCV003313951.2).

ClinVar aggregate classification (germline): Uncertain significance (1 of 4 stars; one submission).

Conditions:
Inborn genetic diseases. Identifiers: MedGen C0950123, MeSH D030342.

gnomAD v4.1: 1 of 1,613,732 alleles (0.000062%); highest among the groups gnomAD compares: Non-Finnish European, 0.000085%; no homozygotes.

Submission:

Ambry Genetics
Classification: Uncertain significance for Inborn genetic diseases. Last evaluated: 2024-08-02. Review status: criteria provided, single submitter. Criteria: Ambry Variant Classification Scheme 2023. Collection method: clinical testing. Allele origin: germline.
Comment: The c.4181T>C (p.I1394T) alteration is located in exon 9 (coding exon 9) of the RFX7 gene. This alteration results from a T to C substitution at nucleotide position 4181, causing the isoleucine (I) at amino acid position 1394 to be replaced by a threonine (T). This variant was not reported in population-based cohorts in the Genome Aggregation Database (gnomAD). This amino acid position is highly conserved in available vertebrate species. This alteration is predicted to be deleterious by in silico analysis. Based on insufficient or conflicting evidence, the clinical significance of this alteration remains unclear.